The following is an entry in ClinVar:

ClinVar aggregate classification (germline): Uncertain significance (1 of 4 stars; one submission).

Conditions:
Hereditary cancer-predisposing syndrome. Also called: Hereditary neoplastic syndrome; Neoplastic Syndromes, Hereditary; Tumor predisposition; Hereditary Cancer Syndrome. Identifiers: Orphanet 140162, MedGen C0027672, MeSH D009386, MONDO:0015356.

Submission:

Ambry Genetics
Classification: Uncertain significance for Hereditary cancer-predisposing syndrome. Last evaluated: 2025-02-21. Review status: criteria provided, single submitter. Criteria: Ambry Variant Classification Scheme 2023. Collection method: clinical testing. Allele origin: germline.
Comment: The p.A920T variant (also known as c.2758G>A), located in coding exon 13 of the BLM gene, results from a G to A substitution at nucleotide position 2758. The alanine at codon 920 is replaced by threonine, an amino acid with similar properties. This amino acid position is conserved. In addition, this alteration is predicted to be deleterious by in silico analysis. Based on the available evidence, the clinical significance of this variant remains unclear.

NM_000057.4(BLM):c.2758G>A (p.Ala920Thr)

Gene: BLM (BLM RecQ like helicase; plus strand). Cytogenetic location: 15q26.1.
Variant type: single nucleotide variant.
Coding change: c.2758G>A on transcript NM_000057.4 (MANE Select); coding-DNA position 2758, G replaced by A.
Protein change: p.Ala920Thr; replaces alanine 920 with threonine.
Molecular consequence: missense variant.
Genome position (GRCh38, 1-based): chr15:90,785,016, G>A. VCF-style: chr15-90785016-G-A. GRCh37 (hg19) VCF-style: chr15-91328246-G-A.
Other names: c.2758G>A, p.Ala920Thr (NM_001287246.2, NM_001287247.2); c.1633G>A, p.Ala545Thr (NM_001287248.2); short protein forms A545T, A920T.
Identifiers: ClinVar variation 3824472 (VCV003824472.1).